The following is an entry in ClinVar:

ClinVar aggregate classification (germline): Uncertain significance. Review status: criteria provided, multiple submitters, no conflicts (2 of 4 stars). 3 submissions from 3 submitters: Uncertain significance (3). Last evaluated 2024-10-15.

Conditions:
Familial adenomatous polyposis 1 (FAP1). Also called: POLYPOSIS, ADENOMATOUS INTESTINAL; FAMILIAL ADENOMATOUS POLYPOSIS 1, ATTENUATED. Identifiers: MedGen C2713442, MONDO:0021056, OMIM 175100. Disease mechanism: loss of function.
Hereditary cancer-predisposing syndrome. Also called: Neoplastic Syndromes, Hereditary; Tumor predisposition; Hereditary neoplastic syndrome; Hereditary Cancer Syndrome. Identifiers: Orphanet 140162, MedGen C0027672, MeSH D009386, MONDO:0015356.

Allele frequency attached by ClinVar (database versions not stated): gnomAD exomes 0.00001.
gnomAD v4.1: 6 of 1,532,742 alleles (0.00039%); highest among the groups gnomAD compares: Non-Finnish European, 0.00054%; no homozygotes.

Submissions (3):

Color Diagnostics, LLC DBA Color Health
Classification: Uncertain significance for Hereditary cancer-predisposing syndrome. Last evaluated: 2024-10-15. Review status: criteria provided, single submitter. Criteria: ACMG Guidelines, 2015. Collection method: clinical testing. Allele origin: germline.
Comment: This missense variant replaces glutamic acid with alanine at codon 176 of the APC protein. Computational prediction suggests that this variant may have deleterious impact on protein structure and function (internally defined REVEL score threshold >= 0.7, PMID: 27666373). To our knowledge, functional studies have not been reported for this variant. This variant has not been reported in individuals affected with APC-related disorders in the literature. This variant has not been identified in the general population by the Genome Aggregation Database (gnomAD). The available evidence is insufficient to determine the role of this variant in disease conclusively. Therefore, this variant is classified as a Variant of Uncertain Significance.

Ambry Genetics
Classification: Uncertain significance for Hereditary cancer-predisposing syndrome. Last evaluated: 2022-02-22. Review status: criteria provided, single submitter. Criteria: Ambry Variant Classification Scheme 2023. Collection method: clinical testing. Allele origin: germline.
Comment: The p.E176A variant (also known as c.527A>C), located in coding exon 4 of the APC gene, results from an A to C substitution at nucleotide position 527. The glutamic acid at codon 176 is replaced by alanine, an amino acid with dissimilar properties. This amino acid position is highly conserved in available vertebrate species. In addition, in silico predictors for this gene do not accurately predict pathogenicity. Since supporting evidence is limited at this time, the clinical significance of this alteration remains unclear.

Labcorp Genetics (formerly Invitae), Labcorp
Classification: Uncertain significance for Familial adenomatous polyposis 1. Last evaluated: 2021-08-27. Review status: criteria provided, single submitter. Criteria: Invitae Variant Classification Sherloc (09022015). Collection method: clinical testing. Allele origin: germline.
Comment: This sequence change replaces glutamic acid with alanine at codon 176 of the APC protein (p.Glu176Ala). The glutamic acid residue is highly conserved and there is a moderate physicochemical difference between glutamic acid and alanine. This variant is not present in population databases (ExAC no frequency). This variant has not been reported in the literature in individuals affected with APC-related conditions. ClinVar contains an entry for this variant (Variation ID: 825611). Algorithms developed to predict the effect of missense changes on protein structure and function are either unavailable or do not agree on the potential impact of this missense change (SIFT: "Deleterious"; PolyPhen-2: "Probably Damaging"; Align-GVGD: "Class C0"). In summary, the available evidence is currently insufficient to determine the role of this variant in disease. Therefore, it has been classified as a Variant of Uncertain Significance.

NM_000038.6(APC):c.527A>C (p.Glu176Ala)

Gene: APC (APC regulator of Wnt signaling pathway; plus strand). Cytogenetic location: 5q22.2.
Variant type: single nucleotide variant.
Coding change: c.527A>C on transcript NM_000038.6 (MANE Select); coding-DNA position 527, A replaced by C.
Protein change: p.Glu176Ala; replaces glutamic acid 176 with alanine.
Molecular consequence: missense variant. On other transcripts: 5 prime UTR variant (1).
Genome position (GRCh38, 1-based): chr5:112,775,733, A>C. VCF-style: chr5-112775733-A-C. GRCh37 (hg19) VCF-style: chr5-112111430-A-C.
Other names: c.527A>C, p.Glu176Ala (NM_001127510.3, NM_001354895.2, NM_001354896.2 and 2 more transcripts); c.557A>C, p.Glu186Ala (NM_001127511.3, NM_001354897.2, NM_001354902.2); c.452A>C, p.Glu151Ala (NM_001354898.2, NM_001354904.2); c.350A>C, p.Glu117Ala (NM_001354900.2, NM_001354901.2, NM_001354905.2); c.-509A>C (NM_001354906.2); short protein forms E117A, E151A, E186A, E176A.
Identifiers: ClinVar variation 825611 (VCV000825611.12), dbSNP rs1580359661, ClinGen allele CA16022478.